The following is an entry in ClinVar:

ClinVar aggregate classification (germline): Uncertain significance. Review status: criteria provided, multiple submitters, no conflicts (2 of 4 stars). 2 submissions from 2 submitters: Uncertain significance (2). Last evaluated 2022-06-19.

Conditions:
Hereditary cancer-predisposing syndrome. Also called: Hereditary Cancer Syndrome; Hereditary neoplastic syndrome; Neoplastic Syndromes, Hereditary; Tumor predisposition. Identifiers: Orphanet 140162, MedGen C0027672, MeSH D009386, MONDO:0015356.
Hereditary breast ovarian cancer syndrome. Also called: Hereditary breast and ovarian cancer; Breast and ovarian cancer; Hereditary breast and ovarian cancer syndrome; Hereditary breast and/or ovarian cancer syndrome; BRCA1- and BRCA2-Associated Hereditary Breast and Ovarian Cancer; Hereditary breast and ovarian cancer syndrome (HBOC). Identifiers: Orphanet 145, MedGen C0677776, MeSH D061325, MONDO:0003582. Disease mechanism: loss of function.

Submissions (2):

Labcorp Genetics (formerly Invitae), Labcorp
Classification: Uncertain significance for Hereditary breast ovarian cancer syndrome. Last evaluated: 2022-06-19. Review status: criteria provided, single submitter. Criteria: Invitae Variant Classification Sherloc (09022015). Collection method: clinical testing. Allele origin: germline.
Comment: In summary, the available evidence is currently insufficient to determine the role of this variant in disease. Therefore, it has been classified as a Variant of Uncertain Significance. Advanced modeling of protein sequence and biophysical properties (such as structural, functional, and spatial information, amino acid conservation, physicochemical variation, residue mobility, and thermodynamic stability) performed at Invitae indicates that this missense variant is not expected to disrupt BRCA1 protein function. ClinVar contains an entry for this variant (Variation ID: 441446). This variant has not been reported in the literature in individuals affected with BRCA1-related conditions. This variant is not present in population databases (gnomAD no frequency). This sequence change replaces aspartic acid, which is acidic and polar, with asparagine, which is neutral and polar, at codon 1557 of the BRCA1 protein (p.Asp1557Asn).

Ambry Genetics
Classification: Uncertain significance for Hereditary cancer-predisposing syndrome. Last evaluated: 2016-11-09. Review status: criteria provided, single submitter. Criteria: Ambry Variant Classification Scheme 2023. Collection method: clinical testing. Allele origin: germline.
Comment: The p.D1557N variant (also known as c.4669G>A), located in coding exon 13 of the BRCA1 gene, results from a G to A substitution at nucleotide position 4669. The aspartic acid at codon 1557 is replaced by asparagine, an amino acid with highly similar properties. This variant was not reported in population based cohorts in the following databases: Database of Single Nucleotide Polymorphisms (dbSNP), NHLBI Exome Sequencing Project (ESP), and 1000 Genomes Project. In the ESP, this variant was not observed in 6503 samples (13006 alleles) with coverage at this position. To date, this alteration has been detected with an allele frequency of approximately 0.0003% (greater than 300000 alleles tested) in our clinical cohort. This amino acid position is well conserved in available vertebrate species. In addition, the in silico prediction for this alteration is inconclusive. Since supporting evidence is limited at this time, the clinical significance of this alteration remains unclear.

NM_007294.4(BRCA1):c.4669G>A (p.Asp1557Asn)

Gene: BRCA1 (BRCA1 DNA repair associated; minus strand). Cytogenetic location: 17q21.31.
Variant type: single nucleotide variant.
Coding change: c.4669G>A on transcript NM_007294.4 (MANE Select); coding-DNA position 4669, G replaced by A.
Protein change: p.Asp1557Asn; replaces aspartic acid 1557 with asparagine.
Molecular consequence: missense variant. On other transcripts: non-coding transcript variant (1).
Genome position (GRCh38, 1-based): chr17:43,074,337, C>T on the plus strand (G>A on the coding strand, the complement: BRCA1 is on the minus strand). VCF-style: chr17-43074337-C-T. GRCh37 (hg19) VCF-style: chr17-41226354-C-T.
Other names: c.4666G>A, p.Asp1556Asn (NM_001407619.1, NM_001407620.1, NM_001407621.1 and 17 more transcripts); c.4330G>A, p.Asp1444Asn (NM_001407956.1, NM_001407957.1, NM_001407958.1); c.4288G>A, p.Asp1430Asn (NM_001407959.1); c.4285G>A, p.Asp1429Asn (NM_001407960.1, NM_001407962.1); c.4282G>A, p.Asp1428Asn (NM_001407963.1); c.4162G>A, p.Asp1388Asn (NM_001407965.1); c.3781G>A, p.Asp1261Asn (NM_001407966.1); c.4663G>A, p.Asp1555Asn (NM_001407630.1, NM_001407631.1, NM_001407627.1 and 14 more transcripts); and 68 more; short protein forms D1557N, D453N, D1510N, D1578N, D1430N, D1444N, D1446N, D1468N.
Identifiers: ClinVar variation 441446 (VCV000441446.11), dbSNP rs80356906, ClinGen allele CA10592173.